The following is an entry in ClinVar:

ClinVar aggregate classification (germline): Pathogenic/Likely pathogenic. Review status: criteria provided, multiple submitters, no conflicts (2 of 4 stars). 2 submissions from 2 submitters: Pathogenic (1); Likely pathogenic (1). Last evaluated 2025-01-27.

Conditions:
Marfan syndrome (MFS). Also called: MARFAN SYNDROME, TYPE I; Marfan syndrome type 1; Marfan's syndrome; Marfan syndrome, classic; FBN1-Related Marfan Syndrome. Identifiers: Orphanet 284963, Orphanet 558, MedGen C0024796, MONDO:0007947, OMIM 154700.
Familial thoracic aortic aneurysm and aortic dissection (TAAD). Also called: Thoracic aortic aneurysms and dissections. Identifiers: Orphanet 91387, MedGen C4707243, MONDO:0019625.
Ectopia lentis 1, isolated, autosomal dominant (ECTOL1). Identifiers: Orphanet 1885, MedGen C3541518, MONDO:0007514, OMIM 129600.

Submissions (2):

Labcorp Genetics (formerly Invitae), Labcorp
Classification: Pathogenic for Marfan syndrome; Familial thoracic aortic aneurysm and aortic dissection. Last evaluated: 2025-01-27. Review status: criteria provided, single submitter. Criteria: Invitae Variant Classification Sherloc (09022015). Collection method: clinical testing. Allele origin: germline.
Comment: This sequence change replaces cysteine, which is neutral and slightly polar, with tyrosine, which is neutral and polar, at codon 582 of the FBN1 protein (p.Cys582Tyr). This variant is not present in population databases (gnomAD no frequency). This missense change has been observed in individuals with clinical features of Marfan syndrome (PMID: 34281902; internal data). ClinVar contains an entry for this variant (Variation ID: 1520744). Invitae Evidence Modeling of protein sequence and biophysical properties (such as structural, functional, and spatial information, amino acid conservation, physicochemical variation, residue mobility, and thermodynamic stability) indicates that this missense variant is expected to disrupt FBN1 protein function with a positive predictive value of 95%. This variant affects a cysteine residue in the EGF-like, TGFBP or hybrid motif domains of FBN1. Cysteine residues are believed to be involved in intramolecular disulfide bridges and have been shown to be important for FBN1 protein structure (PMID: 16905551, 19349279). In addition, missense substitutions affecting cysteine residues within these domains are significantly overrepresented among patients with Marfan syndrome (PMID: 16571647, 17701892). This variant disrupts the p.Cys582 amino acid residue in FBN1. Other variant(s) that disrupt this residue have been observed in individuals with FBN1-related conditions (PMID: 18435798), which suggests that this may be a clinically significant amino acid residue. For these reasons, this variant has been classified as Pathogenic.

Juno Genomics, Hangzhou Juno Genomics, Inc
Classification: Likely pathogenic for Ectopia lentis 1, isolated, autosomal dominant. Review status: criteria provided, single submitter. Criteria: ACMG Guidelines, 2015. Collection method: clinical testing. Allele origin: germline. Affected: yes.
Comment: Absent from controls (or at extremely low frequency if recessive) in Genome Aggregation Database.;The prevalence of the variant in affected individuals is significantly increased compared to the prevalence in controls.;Assumed de novo, but without confirmation of paternity and maternity.;Patient's phenotype or family history is highly specific for a disease with a single genetic etiology.;Located in a mutational hot spot and/or critical and well-established functional domain without benign variation.;Missense variant in a gene that has a low rate of benign missense variation.

Literature cited by the submitters: PubMed 34281902 (cited by Labcorp Genetics (formerly Invitae), Labcorp); PubMed 16905551 (cited by Labcorp Genetics (formerly Invitae), Labcorp); PubMed 19349279 (cited by Labcorp Genetics (formerly Invitae), Labcorp); PubMed 16571647 (cited by Labcorp Genetics (formerly Invitae), Labcorp); PubMed 17701892 (cited by Labcorp Genetics (formerly Invitae), Labcorp); PubMed 18435798 (cited by Labcorp Genetics (formerly Invitae), Labcorp).

NM_000138.5(FBN1):c.1745G>A (p.Cys582Tyr)

Gene: FBN1 (fibrillin 1; minus strand). Cytogenetic location: 15q21.1.
Variant type: single nucleotide variant.
Coding change: c.1745G>A on transcript NM_000138.5 (MANE Select); coding-DNA position 1745, G replaced by A.
Protein change: p.Cys582Tyr; replaces cysteine 582 with tyrosine.
Molecular consequence: missense variant.
Genome position (GRCh38, 1-based): chr15:48,508,674, C>T on the plus strand (G>A on the coding strand, the complement: FBN1 is on the minus strand). VCF-style: chr15-48508674-C-T. GRCh37 (hg19) VCF-style: chr15-48800871-C-T.
Other names: short protein forms C582Y.
Identifiers: ClinVar variation 1520744 (VCV001520744.8), dbSNP rs2141321627, ClinGen allele CA392340556.